The following is an entry in ClinVar:

ClinVar aggregate classification (germline): Pathogenic (1 of 4 stars; one submission).

Conditions:
Sialic acid storage disease, severe infantile type (ISSD). Also called: N-ACETYLNEURAMINIC ACID STORAGE DISEASE; NANA STORAGE DISEASE; INFANTILE SIALIC ACID STORAGE DISORDER; SIALURIA, INFANTILE FORM; Infantile Sialic Acid Storage Disease; Free sialic acid storage disease, infantile form. Identifiers: Orphanet 309324, Orphanet 834, MedGen C1096902, MONDO:0010027, OMIM 269920.

Submission:

Myriad Genetics, Inc.
Classification: Pathogenic for Sialic acid storage disease, severe infantile type. Last evaluated: 2024-05-13. Review status: criteria provided, single submitter. Criteria: Myriad Autosomal Dominant, Autosomal Recessive and X-Linked Classification Criteria (2023). Collection method: clinical testing. Allele origin: unknown.
Comment: NM_012434.4(SLC17A5):c.989delT(L330Yfs*7) is expected to be pathogenic in the context of free sialic acid storage disorders. This variant is predicted to lead to an abnormal or absent protein product due to the creation of a premature termination codon in SLC17A5, a gene where loss-of-function variants are known to be pathogenic. Please note: this variant was assessed in the context of healthy population screening.

NM_012434.5(SLC17A5):c.989del (p.Leu330fs)

Gene: SLC17A5 (solute carrier family 17 member 5; minus strand). Cytogenetic location: 6q13.
Variant type: Deletion.
Coding change: c.989del on transcript NM_012434.5 (MANE Select); coding-DNA position 989, one base deleted (T; older notation c.989delT).
Protein change: p.Leu330fs; shifts the reading frame from leucine 330.
Molecular consequence: frameshift variant.
Genome position (GRCh38, 1-based): chr6:73,615,437, A deleted on the plus strand (T on the coding strand, the reverse complement: SLC17A5 is on the minus strand); the first of 5 consecutive A bases (chr6:73,615,437-73,615,441); deleting any one gives the same sequence. VCF-style (leftmost placement, unchanged base first): chr6-73615436-TA-T. GRCh37 (hg19) VCF-style: chr6-74325159-TA-T.
Other names: c.758del, p.Leu253fs (NM_001382629.1); c.989del, p.Leu330fs (NM_001382630.1, NM_001382633.1); c.1010del, p.Leu337fs (NM_001382631.1); c.902del, p.Leu301fs (NM_001382632.1); c.830del, p.Leu277fs (NM_001382634.1); c.986del, p.Leu329fs (NM_001382635.1); c.671del, p.Leu224fs (NM_001382636.1); short protein forms L224fs, L253fs, L277fs, L301fs, L329fs, L330fs, L337fs.
Identifiers: ClinVar variation 5013049 (VCV005013049.1).